The following is an entry in ClinVar:

NM_001005498.4(RHBDF2):c.1837C>T (p.Leu613=)

Gene: RHBDF2 (rhomboid 5 homolog 2; minus strand). Cytogenetic location: 17q25.1.
Variant type: single nucleotide variant.
Coding change: c.1837C>T on transcript NM_001005498.4 (MANE Select); coding-DNA position 1837, C replaced by T.
Protein change: p.Leu613=; no amino-acid change (leucine 613 retained).
Molecular consequence: synonymous variant. On other transcripts: non-coding transcript variant (3).
Genome position (GRCh38, 1-based): chr17:76,473,078, G>A on the plus strand (C>T on the coding strand, the complement: RHBDF2 is on the minus strand). VCF-style: chr17-76473078-G-A. GRCh37 (hg19) VCF-style: chr17-74469160-G-A.
Other names: c.1837C>T, p.Leu613= (NM_001376228.1, NM_001376229.1, NM_001376230.1); c.1924C>T, p.Leu642= (NM_024599.5).
Identifiers: ClinVar variation 325426 (VCV000325426.15), dbSNP rs77626078, ClinGen allele CA8786826.

ClinVar aggregate classification (germline): Benign/Likely benign. Review status: criteria provided, multiple submitters, no conflicts (2 of 4 stars). 4 submissions from 4 submitters: Benign (3); Likely benign (1). Last evaluated 2026-01-17.

Conditions:
Palmoplantar keratoderma-esophageal carcinoma syndrome (TOC). Also called: KERATOSIS PALMARIS ET PLANTARIS WITH ESOPHAGEAL CANCER; PALMOPLANTAR KERATODERMA WITH ESOPHAGEAL CANCER; Tylosis with Esophageal Cancer. Identifiers: Orphanet 2198, MedGen C1835664, MONDO:0007856, OMIM 148500.

Allele frequency attached by ClinVar (database versions not stated): gnomAD exomes 0.00113 and 0.00301; ExAC 0.00361; gnomAD 0.01144 and 0.01225; TOPMed 0.01338; ESP Exome Variant Server 0.01353; 1000 Genomes Project 0.01418; 1000 Genomes Project 30x 0.01577.
gnomAD v4.1: 3,480 of 1,614,042 alleles (0.22%); highest among the groups gnomAD compares: African/African-American, 4%; 77 homozygotes.

Submissions (4):

Labcorp Genetics (formerly Invitae), Labcorp
Classification: Benign. Last evaluated: 2026-01-17. Review status: criteria provided, single submitter. Criteria: Invitae Variant Classification Sherloc (09022015). Collection method: clinical testing. Allele origin: germline.

KCCC/NGS Laboratory, Kuwait Cancer Control Center
Classification: Likely benign for Palmoplantar keratoderma-esophageal carcinoma syndrome. Last evaluated: 2023-07-07. Review status: criteria provided, single submitter. Criteria: ACMG Guidelines, 2015. Collection method: clinical testing. Allele origin: germline. Affected: yes.

Illumina Laboratory Services, Illumina
Classification: Benign for Palmoplantar keratoderma-esophageal carcinoma syndrome. Last evaluated: 2018-01-13. Review status: criteria provided, single submitter. Criteria: ICSL Variant Classification Criteria 13 December 2019. Collection method: clinical testing. Allele origin: germline.
Comment: This variant was observed in the ICSL laboratory as part of a predisposition screen in an ostensibly healthy population. It had not been previously curated by ICSL or reported in the Human Gene Mutation Database (HGMD: prior to June 1st, 2018), and was therefore a candidate for classification through an automated scoring system. Utilizing variant allele frequency, disease prevalence and penetrance estimates, and inheritance mode, an automated score was calculated to assess if this variant is too frequent to cause the disease. Based on the score and internal cut-off values, a variant classified as benign is not then subjected to further curation. The score for this variant resulted in a classification of benign for this disease.

Breakthrough Genomics
Classification: Benign. Review status: criteria provided, single submitter. Criteria: ACMG Guidelines, 2015. Collection method: not provided. Allele origin: germline. Inheritance: Autosomal dominant inheritance. Affected: yes.